The following is an entry in ClinVar:

ClinVar aggregate classification (germline): Uncertain significance (1 of 4 stars; one submission).

Conditions:
Hereditary pancreatitis (PCTT). Also called: PRSS1-Related Hereditary Pancreatitis; Hereditary chronic pancreatitis. Identifiers: Orphanet 676, MedGen C0238339, MONDO:0008185, OMIM 167800.

Submission:

Ambry Genetics
Classification: Uncertain significance for Hereditary pancreatitis. Last evaluated: 2022-03-12. Review status: criteria provided, single submitter. Criteria: Ambry Variant Classification Scheme 2023. Collection method: clinical testing. Allele origin: germline.
Comment: The p.E273D variant (also known as c.819G>T), located in coding exon 8 of the CPA1 gene, results from a G to T substitution at nucleotide position 819. The glutamic acid at codon 273 is replaced by aspartic acid, an amino acid with highly similar properties. This amino acid position is conserved. In addition, this alteration is predicted to be tolerated by in silico analysis. Since supporting evidence is limited at this time, the clinical significance of this alteration remains unclear.

NM_001868.4(CPA1):c.819G>T (p.Glu273Asp)

Gene: CPA1 (carboxypeptidase A1; plus strand). Cytogenetic location: 7q32.2.
Variant type: single nucleotide variant.
Coding change: c.819G>T on transcript NM_001868.4 (MANE Select); coding-DNA position 819, G replaced by T.
Protein change: p.Glu273Asp; replaces glutamic acid 273 with aspartic acid.
Molecular consequence: missense variant.
Genome position (GRCh38, 1-based): chr7:130,385,177, G>T. VCF-style: chr7-130385177-G-T. GRCh37 (hg19) VCF-style: chr7-130025018-G-T.
Other names: short protein forms E273D.
Identifiers: ClinVar variation 1762396 (VCV001762396.2), dbSNP rs2536012079, ClinGen allele CA369283305.